The following is an entry in ClinVar:

ClinVar aggregate classification (germline): Uncertain significance. Review status: criteria provided, multiple submitters, no conflicts (2 of 4 stars). 2 submissions from 2 submitters: Uncertain significance (2). Last evaluated 2025-07-28.

Conditions:
Inborn genetic diseases. Identifiers: MedGen C0950123, MeSH D030342.
Baller-Gerold syndrome (BGS). Also called: CRANIOSYNOSTOSIS WITH RADIAL DEFECTS. Identifiers: Orphanet 1225, MedGen C0265308, MONDO:0009039, OMIM 218600.

Allele frequency attached by ClinVar (database versions not stated): gnomAD exomes below 0.00001.
gnomAD v4.1: 3 of 1,612,390 alleles (0.00019%); highest among the groups gnomAD compares: Admixed American, 0.005%; no homozygotes.

Submissions (2):

Ambry Genetics
Classification: Uncertain significance for Inborn genetic diseases. Last evaluated: 2025-07-28. Review status: criteria provided, single submitter. Criteria: Ambry Variant Classification Scheme 2023. Collection method: clinical testing. Allele origin: germline.
Comment: The p.P417T variant (also known as c.1249C>A), located in coding exon 6 of the RECQL4 gene, results from a C to A substitution at nucleotide position 1249. The proline at codon 417 is replaced by threonine, an amino acid with highly similar properties. This amino acid position is conserved. In addition, this alteration is predicted to be tolerated by in silico analysis. Based on the available evidence, the clinical significance of this variant remains unclear.

Labcorp Genetics (formerly Invitae), Labcorp
Classification: Uncertain significance for Baller-Gerold syndrome. Last evaluated: 2025-06-09. Review status: criteria provided, single submitter. Criteria: Invitae Variant Classification Sherloc (09022015). Collection method: clinical testing. Allele origin: germline.
Comment: This sequence change replaces proline, which is neutral and non-polar, with threonine, which is neutral and polar, at codon 417 of the RECQL4 protein (p.Pro417Thr). The frequency data for this variant in the population databases is considered unreliable, as metrics indicate poor data quality at this position in the gnomAD database. This variant has not been reported in the literature in individuals affected with RECQL4-related conditions. ClinVar contains an entry for this variant (Variation ID: 1044372). Invitae Evidence Modeling of protein sequence and biophysical properties (such as structural, functional, and spatial information, amino acid conservation, physicochemical variation, residue mobility, and thermodynamic stability) indicates that this missense variant is not expected to disrupt RECQL4 protein function with a negative predictive value of 80%. In summary, the available evidence is currently insufficient to determine the role of this variant in disease. Therefore, it has been classified as a Variant of Uncertain Significance.

NM_004260.4(RECQL4):c.1249C>A (p.Pro417Thr)

Gene: RECQL4 (RecQ like helicase 4; minus strand). Cytogenetic location: 8q24.3.
Variant type: single nucleotide variant.
Coding change: c.1249C>A on transcript NM_004260.4 (MANE Select); coding-DNA position 1249, C replaced by A.
Protein change: p.Pro417Thr; replaces proline 417 with threonine.
Molecular consequence: missense variant.
Genome position (GRCh38, 1-based): chr8:144,515,773, G>T on the plus strand (C>A on the coding strand, the complement: RECQL4 is on the minus strand). VCF-style: chr8-144515773-G-T. GRCh37 (hg19) VCF-style: chr8-145741157-G-T.
Other names: c.1249C>A (NM_004260.3); short protein forms P417T.
Identifiers: ClinVar variation 1044372 (VCV001044372.6), dbSNP rs1457479453, ClinGen allele CA372687240.
Genomic context (GRCh38, chr8:144,515,773, plus strand): 5'-CGCCCTCTCCACAGTGTTGGCCGGACCCACCCTCCAGGGCAGATGTCTCACCTGGCCGGG[G>T]ACACTGGGCTGCCCAGTGATCGAACTGCTCGTTCAGGAAACAAGACTCCTTGGTTGTGAC-3'
Protein context (NP_004251.4, residues 407-427): EQFDHWAAQC[Pro417Thr]RPASEEDTDA